The following is an entry in ClinVar:

NM_021815.5(SLC5A7):c.528A>G (p.Thr176=)

Gene: SLC5A7 (solute carrier family 5 member 7; plus strand). Cytogenetic location: 2q12.3.
Variant type: single nucleotide variant.
Coding change: c.528A>G on transcript NM_021815.5 (MANE Select); coding-DNA position 528, A replaced by G.
Protein change: p.Thr176=; no amino-acid change (threonine 176 retained).
Molecular consequence: synonymous variant. On other transcripts: 5 prime UTR variant (1).
Genome position (GRCh38, 1-based): chr2:107,997,917, A>G. VCF-style: chr2-107997917-A-G. GRCh37 (hg19) VCF-style: chr2-108614373-A-G.
Other names: c.528A>G (NM_021815.4); c.528A>G, p.Thr176= (NM_001305005.3); c.213A>G, p.Thr71= (NM_001305006.3); c.-177A>G (NM_001305007.3).
Identifiers: ClinVar variation 756213 (VCV000756213.11), dbSNP rs780484840, ClinGen allele CA1818991.

ClinVar aggregate classification (germline): Likely benign. Review status: criteria provided, multiple submitters, no conflicts (2 of 4 stars). 2 submissions from 2 submitters: Likely benign (2). Last evaluated 2026-06-28.

Conditions:
SLC5A7-related disorder. Also called: SLC5A7-related condition.
Neuronopathy, distal hereditary motor, type 7A. Also called: Neuronopathy, distal hereditary motor, type viia; HMN VIIA; NEURONOPATHY, DISTAL HEREDITARY MOTOR, HARDING TYPE VIIA; NEUROPATHY, DISTAL HEREDITARY MOTOR, HARDING TYPE VIIA; SPINAL MUSCULAR ATROPHY, DISTAL, WITH VOCAL CORD PARALYSIS; HARPER-YOUNG MYOPATHY. Identifiers: Orphanet 139589, MedGen C1834703, MONDO:0008024, OMIM 158580.
Congenital myasthenic syndrome 20. Also called: Myasthenic syndrome, congenital, 20, presynaptic. Identifiers: MedGen C4310694, MONDO:0014939, OMIM 617143.

Allele frequency attached by ClinVar (database versions not stated): TOPMed 0.00002.
gnomAD v4.1: 38 of 1,613,782 alleles (0.0024%); highest among the groups gnomAD compares: Non-Finnish European, 0.0011%; no homozygotes.

Submissions (2):

PreventionGenetics, part of Exact Sciences
Classification: Likely benign for SLC5A7-related condition. Last evaluated: 2026-06-28. Review status: criteria provided, single submitter. Criteria: ACMG Guidelines, 2015. Collection method: clinical testing. Allele origin: germline.
Comment: This variant is classified as likely benign based on ACMG/AMP sequence variant interpretation guidelines (Richards et al. 2015 PMID: 25741868, with internal and published modifications).

Labcorp Genetics (formerly Invitae), Labcorp
Classification: Likely benign for Neuronopathy, distal hereditary motor, type 7A; Congenital myasthenic syndrome 20. Last evaluated: 2025-12-22. Review status: criteria provided, single submitter. Criteria: Invitae Variant Classification Sherloc (09022015). Collection method: clinical testing. Allele origin: germline.